The following is an entry in ClinVar:

NM_000138.5(FBN1):c.3794G>A (p.Cys1265Tyr)

Gene: FBN1 (fibrillin 1; minus strand). Cytogenetic location: 15q21.1.
Variant type: single nucleotide variant.
Coding change: c.3794G>A on transcript NM_000138.5 (MANE Select); coding-DNA position 3794, G replaced by A.
Protein change: p.Cys1265Tyr; replaces cysteine 1265 with tyrosine.
Molecular consequence: missense variant.
Genome position (GRCh38, 1-based): chr15:48,483,862, C>T on the plus strand (G>A on the coding strand, the complement: FBN1 is on the minus strand). VCF-style: chr15-48483862-C-T. GRCh37 (hg19) VCF-style: chr15-48776059-C-T.
Other names: c.3794G>A, p.Cys1265Tyr (NM_001406716.1); short protein forms C1265Y.
Identifiers: ClinVar variation 2137697 (VCV002137697.6), dbSNP rs1555398279, ClinGen allele CA392323791.

ClinVar aggregate classification (germline): Pathogenic/Likely pathogenic. Review status: criteria provided, multiple submitters, no conflicts (2 of 4 stars). 3 submissions from 3 submitters: Pathogenic (2); Likely pathogenic (1). Last evaluated 2024-07-24.

Conditions:
Familial thoracic aortic aneurysm and aortic dissection (TAAD). Also called: Thoracic aortic aneurysms and dissections. Identifiers: Orphanet 91387, MedGen C4707243, MONDO:0019625.
Marfan syndrome (MFS). Also called: MARFAN SYNDROME, TYPE I; Marfan syndrome type 1; Marfan's syndrome; Marfan syndrome, classic; FBN1-Related Marfan Syndrome. Identifiers: Orphanet 284963, Orphanet 558, MedGen C0024796, MONDO:0007947, OMIM 154700.

Submissions (3):

Ambry Genetics
Classification: Likely pathogenic for Familial thoracic aortic aneurysm and aortic dissection. Last evaluated: 2024-07-24. Review status: criteria provided, single submitter. Criteria: Ambry Variant Classification Scheme 2023. Collection method: clinical testing. Allele origin: germline.
Comment: The p.C1265Y variant (also known as c.3794G>A), located in coding exon 30 of the FBN1 gene, results from a G to A substitution at nucleotide position 3794. The cysteine at codon 1265 is replaced by tyrosine, an amino acid with highly dissimilar properties. The majority of FBN1 mutations identified to date have involved the substitution or generation of cysteine residues within cbEGF domains (Vollbrandt T et al. J Biol Chem. 2004;279(31):32924-32931). Internal structural analysis indicates this alteration eliminates a disulfide bond critical for the structural integrity of the cbEGF16 domain (Ambry internal data). This alteration has been reported in individuals with concerns for Marfan syndrome (Attanasio M et al. Clin Genet, 2008 Jul;74:39-46; Chen ZX et al. Hum Mutat, 2021 Dec;42:1637-1647; Chen TH et al. Am J Ophthalmol, 2022 May;237:278-289). Another variant at the same codon, p.C1265G (c.3793T>G), has been described as de novo in an individual with Marfan syndrome (Stheneur C et al. Eur J Hum Genet, 2009 Sep;17:1121-8). This amino acid position is highly conserved in available vertebrate species. In addition, this alteration is predicted to be deleterious by in silico analysis. Based on the majority of available evidence to date, this variant is likely to be pathogenic.

Division of Human Genetics, National Health Laboratory Service/University of the Witwatersrand
Classification: Pathogenic for Marfan syndrome. Last evaluated: 2023-07-01. Review status: criteria provided, single submitter. Criteria: ACMG Guidelines, 2015. Collection method: research. Allele origin: germline. Affected: yes.

Labcorp Genetics (formerly Invitae), Labcorp
Classification: Pathogenic for Marfan syndrome; Familial thoracic aortic aneurysm and aortic dissection. Last evaluated: 2022-10-09. Review status: criteria provided, single submitter. Criteria: Invitae Variant Classification Sherloc (09022015). Collection method: clinical testing. Allele origin: germline.
Comment: This variant is not present in population databases (gnomAD no frequency). This sequence change replaces cysteine, which is neutral and slightly polar, with tyrosine, which is neutral and polar, at codon 1265 of the FBN1 protein (p.Cys1265Tyr). For these reasons, this variant has been classified as Pathogenic. This variant disrupts the p.Cys1265 amino acid residue in FBN1. Other variant(s) that disrupt this residue have been observed in individuals with FBN1-related conditions (PMID: 9837823, 19293843; Invitae), which suggests that this may be a clinically significant amino acid residue. This variant affects a cysteine residue in the EGF-like, TGFBP or hybrid motif domains of FBN1. Cysteine residues are believed to be involved in intramolecular disulfide bridges and have been shown to be important for FBN1 protein structure (PMID: 16905551, 19349279). In addition, missense substitutions affecting cysteine residues within these domains are significantly overrepresented among patients with Marfan syndrome (PMID: 16571647, 17701892). Advanced modeling of protein sequence and biophysical properties (such as structural, functional, and spatial information, amino acid conservation, physicochemical variation, residue mobility, and thermodynamic stability) performed at Invitae indicates that this missense variant is expected to disrupt FBN1 protein function. This missense change has been observed in individual(s) with Marfan syndrome (PMID: 18435798).

Literature cited by the submitters: PubMed 18435798 (cited by Ambry Genetics and Labcorp Genetics (formerly Invitae), Labcorp); PubMed 34550612 (cited by Ambry Genetics); PubMed 34818515 (cited by Ambry Genetics); PubMed 9837823 (cited by Labcorp Genetics (formerly Invitae), Labcorp); PubMed 19293843 (cited by Labcorp Genetics (formerly Invitae), Labcorp); PubMed 16905551 (cited by Labcorp Genetics (formerly Invitae), Labcorp); PubMed 19349279 (cited by Labcorp Genetics (formerly Invitae), Labcorp); PubMed 16571647 (cited by Labcorp Genetics (formerly Invitae), Labcorp); PubMed 17701892 (cited by Labcorp Genetics (formerly Invitae), Labcorp).